The following is an entry in ClinVar:

NM_024570.4(RNASEH2B):c.830G>A (p.Ser277Asn)

Gene: RNASEH2B (ribonuclease H2 subunit B; plus strand). Cytogenetic location: 13q14.3.
Variant type: single nucleotide variant.
Coding change: c.830G>A on transcript NM_024570.4 (MANE Select); coding-DNA position 830, G replaced by A.
Protein change: p.Ser277Asn; replaces serine 277 with asparagine.
Molecular consequence: missense variant. On other transcripts: intron variant (1).
Genome position (GRCh38, 1-based): chr13:50,956,365, G>A. VCF-style: chr13-50956365-G-A. GRCh37 (hg19) VCF-style: chr13-51530501-G-A.
Other names: c.741+6860G>A (NM_001142279.2); short protein forms S277N.
Identifiers: ClinVar variation 1341942 (VCV001341942.8), dbSNP rs200802557, ClinGen allele CA6985735.

ClinVar aggregate classification (germline): Uncertain significance. Review status: criteria provided, multiple submitters, no conflicts (2 of 4 stars). 4 submissions from 4 submitters: Uncertain significance (4). Last evaluated 2023-11-21.

Conditions:
Aicardi-Goutieres syndrome 2. Identifiers: Orphanet 51, MedGen C3489724, MONDO:0012429, OMIM 610181.
Inborn genetic diseases. Identifiers: MedGen C0950123, MeSH D030342.

Allele frequency attached by ClinVar (database versions not stated): gnomAD exomes 0.00003 and 0.00004; gnomAD 0.00004 and 0.00005; TOPMed 0.00005; ExAC 0.00007; ESP Exome Variant Server 0.00023.
gnomAD v4.1: 57 of 1,596,938 alleles (0.0036%); highest among the groups gnomAD compares: Middle Eastern, 0.033%; no homozygotes.

Submissions (4):

Blueprint Genetics
Classification: Uncertain significance. Last evaluated: 2023-11-21. Review status: criteria provided, single submitter. Criteria: ACMG Guidelines, 2015. Collection method: clinical testing. Allele origin: germline.

Labcorp Genetics (formerly Invitae), Labcorp
Classification: Uncertain significance for Aicardi-Goutieres syndrome 2. Last evaluated: 2022-08-31. Review status: criteria provided, single submitter. Criteria: Invitae Variant Classification Sherloc (09022015). Collection method: clinical testing. Allele origin: germline.
Comment: This sequence change replaces serine, which is neutral and polar, with asparagine, which is neutral and polar, at codon 277 of the RNASEH2B protein (p.Ser277Asn). This variant is present in population databases (rs200802557, gnomAD 0.008%). This variant has not been reported in the literature in individuals affected with RNASEH2B-related conditions. ClinVar contains an entry for this variant (Variation ID: 1341942). Algorithms developed to predict the effect of missense changes on protein structure and function output the following: SIFT: "Tolerated"; PolyPhen-2: "Benign"; Align-GVGD: "Class C0". The asparagine amino acid residue is found in multiple mammalian species, which suggests that this missense change does not adversely affect protein function. In summary, the available evidence is currently insufficient to determine the role of this variant in disease. Therefore, it has been classified as a Variant of Uncertain Significance.

Ambry Genetics
Classification: Uncertain significance for Inborn genetic diseases. Last evaluated: 2020-12-30. Review status: criteria provided, single submitter. Criteria: Ambry Variant Classification Scheme 2023. Collection method: clinical testing. Allele origin: germline.
Comment: The c.830G>A (p.S277N) alteration is located in exon 11 (coding exon 11) of the RNASEH2B gene. This alteration results from a G to A substitution at nucleotide position 830, causing the serine (S) at amino acid position 277 to be replaced by an asparagine (N). The p.S277N alteration is predicted to be tolerated by in silico analysis. Based on insufficient or conflicting evidence, the clinical significance of this alteration remains unclear.

New York Genome Center
Classification: Uncertain significance for Aicardi-Goutieres syndrome 2. Last evaluated: 2020-06-12. Review status: criteria provided, single submitter. Criteria: NYGC Assertion Criteria 2020. Collection method: clinical testing. Allele origin: germline. Observed: 1 heterozygote. Study: CSER-NYCKidSeq.